The following is an entry in ClinVar:

ClinVar aggregate classification (germline): Uncertain significance. Review status: criteria provided, multiple submitters, no conflicts (2 of 4 stars). 2 submissions from 2 submitters: Uncertain significance (2). Last evaluated 2024-10-01.

Conditions:
Inborn genetic diseases. Identifiers: MedGen C0950123, MeSH D030342.

Allele frequency attached by ClinVar (database versions not stated): gnomAD 0.00001; TOPMed 0.00001.

Submissions (2):

Ambry Genetics
Classification: Uncertain significance for Inborn genetic diseases. Last evaluated: 2024-10-01. Review status: criteria provided, single submitter. Criteria: Ambry Variant Classification Scheme 2023. Collection method: clinical testing. Allele origin: germline.

Labcorp Genetics (formerly Invitae), Labcorp
Classification: Uncertain significance. Last evaluated: 2022-09-26. Review status: criteria provided, single submitter. Criteria: Invitae Variant Classification Sherloc (09022015). Collection method: clinical testing. Allele origin: germline.
Comment: This sequence change replaces arginine, which is basic and polar, with histidine, which is basic and polar, at codon 101 of the TONSL protein (p.Arg101His). This variant is present in population databases (no rsID available, gnomAD 0.005%). This variant has not been reported in the literature in individuals affected with TONSL-related conditions. Advanced modeling of protein sequence and biophysical properties (such as structural, functional, and spatial information, amino acid conservation, physicochemical variation, residue mobility, and thermodynamic stability) performed at Invitae indicates that this missense variant is not expected to disrupt TONSL protein function. In summary, the available evidence is currently insufficient to determine the role of this variant in disease. Therefore, it has been classified as a Variant of Uncertain Significance.

NM_013432.5(TONSL):c.302G>A (p.Arg101His)

Gene: TONSL (tonsoku like, DNA repair protein; minus strand). Cytogenetic location: 8q24.3.
Variant type: single nucleotide variant.
Coding change: c.302G>A on transcript NM_013432.5 (MANE Select); coding-DNA position 302, G replaced by A.
Protein change: p.Arg101His; replaces arginine 101 with histidine.
Molecular consequence: missense variant.
Genome position (GRCh38, 1-based): chr8:144,443,284, C>T on the plus strand (G>A on the coding strand, the complement: TONSL is on the minus strand). VCF-style: chr8-144443284-C-T. GRCh37 (hg19) VCF-style: chr8-145668667-C-T.
Other names: c.302G>A (NM_013432.4); short protein forms R101H.
Identifiers: ClinVar variation 2181935 (VCV002181935.2), dbSNP rs1416129727, ClinGen allele CA372679216.